The following is an entry in ClinVar:

ClinVar aggregate classification (germline): Conflicting classifications of pathogenicity. Review status: criteria provided, conflicting classifications (1 of 4 stars). 7 submissions from 7 submitters: Uncertain significance (5); Likely benign (1). 1 of the submissions does not count toward it. Last evaluated 2026-05-01.

Conditions:
Sitosterolemia 1. Identifiers: MedGen C2749759, MONDO:0020747, OMIM 210250.
ABCG8-related disorder. Also called: ABCG8-related condition.
Cardiovascular phenotype. Identifiers: MedGen CN230736.

Allele frequency attached by ClinVar (database versions not stated): gnomAD exomes 0.00006 and 0.00007; TOPMed 0.00006; gnomAD 0.00008 and 0.00010; ExAC 0.00010; 1000 Genomes Project 30x 0.00016; 1000 Genomes Project 0.00020.
gnomAD v4.1: 94 of 1,551,128 alleles (0.0061%); highest among the groups gnomAD compares: Middle Eastern, 0.084%; no homozygotes.

Submissions (7):

CeGaT Center for Human Genetics Tuebingen
Classification: Uncertain significance. Last evaluated: 2026-05-01. Review status: criteria provided, single submitter. Criteria: CeGaT Center For Human Genetics Tuebingen Variant Classification Criteria Version 2. Collection method: clinical testing. Allele origin: germline. Affected: yes. Observed: 1 variant allele.
Comment: ABCG8: PM2, BP4

Blueprint Genetics
Classification: Uncertain significance. Last evaluated: 2024-08-29. Review status: criteria provided, single submitter. Criteria: ACMG Guidelines, 2015. Collection method: clinical testing. Allele origin: germline.

Labcorp Genetics (formerly Invitae), Labcorp
Classification: Uncertain significance. Last evaluated: 2023-08-24. Review status: criteria provided, single submitter. Criteria: Invitae Variant Classification Sherloc (09022015). Collection method: clinical testing. Allele origin: germline.
Comment: ClinVar contains an entry for this variant (Variation ID: 594343). In summary, the available evidence is currently insufficient to determine the role of this variant in disease. Therefore, it has been classified as a Variant of Uncertain Significance. Algorithms developed to predict the effect of missense changes on protein structure and function output the following: SIFT: "Not Available"; PolyPhen-2: "Benign"; Align-GVGD: "Not Available". The leucine amino acid residue is found in multiple mammalian species, which suggests that this missense change does not adversely affect protein function. This variant has not been reported in the literature in individuals affected with ABCG8-related conditions. This variant is present in population databases (rs144411000, gnomAD 0.01%). This sequence change replaces serine, which is neutral and polar, with leucine, which is neutral and non-polar, at codon 21 of the ABCG8 protein (p.Ser21Leu).

Revvity Omics, Revvity
Classification: Uncertain significance for Sitosterolemia 1. Last evaluated: 2023-06-20. Review status: criteria provided, single submitter. Criteria: ACMG Guidelines, 2015. Collection method: clinical testing. Allele origin: germline.

Ambry Genetics
Classification: Likely benign for Cardiovascular phenotype. Last evaluated: 2022-05-30. Review status: criteria provided, single submitter. Criteria: Ambry Variant Classification Scheme 2023. Collection method: clinical testing. Allele origin: germline.

Eurofins Ntd Llc (ga)
Classification: Uncertain significance. Last evaluated: 2017-10-03. Review status: criteria provided, single submitter. Criteria: EGL Classification Definitions 2015. Collection method: clinical testing. Allele origin: germline. Observed: 2 variant alleles, 2 heterozygotes.

PreventionGenetics, part of Exact Sciences
Classification: Uncertain significance for ABCG8-related condition. Last evaluated: 2024-06-16. Review status: no assertion criteria provided. Collection method: clinical testing. Allele origin: germline. Not counted in ClinVar's aggregate classification.
Comment: The ABCG8 c.62C>T variant is predicted to result in the amino acid substitution p.Ser21Leu. To our knowledge, this variant has not been reported in the literature. This variant is reported in 0.015% of alleles in individuals of European (Non-Finnish) descent in gnomAD. Although we suspect that this variant may be benign, at this time, the clinical significance of this variant is uncertain due to the absence of conclusive functional and genetic evidence.

NM_022437.3(ABCG8):c.62C>T (p.Ser21Leu)

Genes: ABCG5 (ATP binding cassette subfamily G member 5; minus strand), ABCG8 (ATP binding cassette subfamily G member 8; plus strand). Cytogenetic location: 2p21.
Variant type: single nucleotide variant.
Coding change: c.62C>T on transcript NM_022437.3 (MANE Select); coding-DNA position 62, C replaced by T.
Protein change: p.Ser21Leu; replaces serine 21 with leucine.
Molecular consequence: missense variant.
Genome position (GRCh38, 1-based): chr2:43,839,115, C>T. VCF-style: chr2-43839115-C-T. GRCh37 (hg19) VCF-style: chr2-44066254-C-T.
Other names: c.62C>T, p.Ser21Leu (NM_001357321.2); short protein forms S21L.
Identifiers: ClinVar variation 594343 (VCV000594343.17), dbSNP rs144411000, ClinGen allele CA1636859.